The following is an entry in ClinVar:

NM_001365276.2(TNXB):c.7704T>C (p.Val2568=)

Gene: TNXB (tenascin XB; minus strand). Cytogenetic location: 6p21.33.
Variant type: single nucleotide variant.
Coding change: c.7704T>C on transcript NM_001365276.2 (MANE Select); coding-DNA position 7704, T replaced by C.
Protein change: p.Val2568=; no amino-acid change (valine 2568 retained).
Molecular consequence: synonymous variant.
Genome position (GRCh38, 1-based): chr6:32,058,179, A>G on the plus strand (T>C on the coding strand, the complement: TNXB is on the minus strand). VCF-style: chr6-32058179-A-G. GRCh37 (hg19) VCF-style: chr6-32025956-A-G.
Other names: p.Val2568=; c.7704T>C, p.Val2568= (NM_019105.8).
Identifiers: ClinVar variation 1188758 (VCV001188758.9), dbSNP rs370919547, ClinGen allele CA3734080.

ClinVar aggregate classification (germline): Benign/Likely benign. Review status: criteria provided, multiple submitters, no conflicts (2 of 4 stars). 7 submissions from 7 submitters: Benign (4); Likely benign (3). Last evaluated 2026-02-01.

Conditions:
Ehlers-Danlos syndrome due to tenascin-X deficiency (EDSCLL1). Also called: EHLERS-DANLOS SYNDROME, CLASSIC-LIKE; Ehlers-Danlos syndrome, classic-like, 1; TNXB-Related Classical-Like Ehlers-Danlos Syndrome; EDS DUE TO TNX DEFICIENCY; TNX DEFICIENCY. Identifiers: Orphanet 230839, MedGen C1848029, MONDO:0011670, OMIM 606408.
Vesicoureteral reflux 8 (VUR8). Identifiers: Orphanet 289365, MedGen C4014831, MONDO:0014422, OMIM 615963.
Cardiovascular phenotype. Identifiers: MedGen CN230736.

Allele frequency attached by ClinVar (database versions not stated): gnomAD exomes 0.00243; ExAC 0.00274; gnomAD 0.00888; ESP Exome Variant Server 0.00904; 1000 Genomes Project 0.00958; 1000 Genomes Project 30x 0.01109.

Submissions (7):

Labcorp Genetics (formerly Invitae), Labcorp
Classification: Likely benign. Last evaluated: 2026-02-01. Review status: criteria provided, single submitter. Criteria: Invitae Variant Classification Sherloc (09022015). Collection method: clinical testing. Allele origin: germline.

Women's Health and Genetics/Laboratory Corporation of America, LabCorp
Classification: Benign. Last evaluated: 2026-01-22. Review status: criteria provided, single submitter. Criteria: LabCorp Variant Classification Summary - May 2015. Collection method: clinical testing. Allele origin: germline.

Mayo Clinic Laboratories, Mayo Clinic
Classification: Benign. Last evaluated: 2023-04-26. Review status: criteria provided, single submitter. Criteria: ACMG Guidelines, 2015. Collection method: clinical testing. Allele origin: germline. Observed: 8 variant alleles.
Comment: BS1, BS2, BP4, BP7

Fulgent Genetics
Classification: Benign for Ehlers-Danlos syndrome due to tenascin-X deficiency; Vesicoureteral reflux 8. Last evaluated: 2021-09-01. Review status: criteria provided, single submitter. Criteria: ACMG Guidelines, 2015. Collection method: clinical testing. Allele origin: unknown.

GeneDx
Classification: Likely benign. Last evaluated: 2020-12-30. Review status: criteria provided, single submitter. Criteria: GeneDx Variant Classification Process June 2021. Collection method: clinical testing. Allele origin: germline. Affected: yes.

Ambry Genetics
Classification: Benign for Cardiovascular phenotype. Last evaluated: 2019-03-29. Review status: criteria provided, single submitter. Criteria: Ambry Variant Classification Scheme 2023. Collection method: clinical testing. Allele origin: germline.

Breakthrough Genomics
Classification: Likely benign. Review status: criteria provided, single submitter. Criteria: ACMG Guidelines, 2015. Collection method: not provided. Allele origin: germline. Inheritance: Autosomal recessive inheritance. Affected: yes.